The following is an entry in ClinVar:

ClinVar aggregate classification (germline): Pathogenic/Likely pathogenic. Review status: criteria provided, multiple submitters, no conflicts (2 of 4 stars). 5 submissions from 5 submitters: Pathogenic (4); Likely pathogenic (1). Last evaluated 2025-08-08.

Conditions:
RDH5-related disorder. Also called: RDH5-related condition.
Pigmentary retinal dystrophy. Also called: Fundus albipunctatus. Identifiers: Orphanet 227796, Orphanet 52427, MedGen C0311338, MONDO:0007639, OMIM 136880, HP:0030642.
Fundus albipunctatus, autosomal recessive. Identifiers: MedGen C4016746.

Allele frequency attached by ClinVar (database versions not stated): gnomAD exomes 0.00001 and 0.00003; TOPMed 0.00001; ExAC 0.00002.
gnomAD v4.1: 5 of 1,610,770 alleles (0.00031%); highest among the groups gnomAD compares: East Asian, 0.011%; no homozygotes.

Submissions (5):

GeneDx
Classification: Likely pathogenic. Last evaluated: 2025-08-08. Review status: criteria provided, single submitter. Criteria: GeneDx Variant Classification Process June 2021. Collection method: clinical testing. Allele origin: germline. Affected: yes.
Comment: Nonsense variant predicted to result in protein truncation or nonsense mediated decay in a gene for which loss of function is a known mechanism of disease; This variant is associated with the following publications: (PMID: 25820994, 35148716, 31964843, 22669287, 28654958)

Blueprint Genetics
Classification: Pathogenic for RDH5-related disorders. Last evaluated: 2024-02-13. Review status: criteria provided, single submitter. Criteria: ACMG Guidelines, 2015. Collection method: clinical testing. Allele origin: germline. Affected: yes. Observed: 3 variant alleles.

Labcorp Genetics (formerly Invitae), Labcorp
Classification: Pathogenic. Last evaluated: 2022-10-30. Review status: criteria provided, single submitter. Criteria: Invitae Variant Classification Sherloc (09022015). Collection method: clinical testing. Allele origin: germline.
Comment: For these reasons, this variant has been classified as Pathogenic. ClinVar contains an entry for this variant (Variation ID: 208608). This premature translational stop signal has been observed in individual(s) with fundus albipunctatus (PMID: 22669287). This variant is present in population databases (rs774122562, gnomAD 0.04%). This sequence change creates a premature translational stop signal (p.Trp95*) in the RDH5 gene. It is expected to result in an absent or disrupted protein product. Loss-of-function variants in RDH5 are known to be pathogenic (PMID: 11675386, 22815624).

Laboratory for Molecular Medicine, Mass General Brigham Personalized Medicine
Classification: Pathogenic for Pigmentary retinal dystrophy. Last evaluated: 2014-12-30. Review status: criteria provided, single submitter. Criteria: LMM Criteria. Collection method: clinical testing. Allele origin: germline. Inheritance: Autosomal recessive inheritance. Observed: 1 variant allele. Study: CSER-MedSeq.
Comment: This variant has also been identified in 3/8708 of East Asian chromosomes by the Exome aggregation Consortium. Although this variant has been seen in the general population, its frequency is low enough to be consistent with a recessive carrier frequency. This nonsense variant leads to a premature termination codon at position 95, which is predicted to lead to a truncated or absent protein. Complete loss of RDH5 function is an established disease mechanism for fundus albipunctatus (Driessen 2001, Schatz 2010, Sergouniotis 2011). In summary, this variant meets our criteria to be classified as pathogenic for fundus albipunctatus in an autosomal recessive manner based on the predicted impact to the protein.

Juno Genomics, Hangzhou Juno Genomics, Inc
Classification: Pathogenic for Pigmentary retinal dystrophy. Review status: criteria provided, single submitter. Criteria: ACMG Guidelines, 2015. Collection method: clinical testing. Allele origin: germline.
Comment: Absent from controls (or at extremely low frequency if recessive) in Genome Aggregation Database.;Null variant in a gene where loss of function (LOF) is a known mechanism of disease.;For recessive disorders, detected in trans with a pathogenic variant.;Patient's phenotype or family history is highly specific for a disease with a single genetic etiology.

Literature cited by the submitters: PubMed 22669287 (cited by Labcorp Genetics (formerly Invitae), Labcorp and Laboratory for Molecular Medicine, Mass General Brigham Personalized Medicine); PubMed 11675386 (cited by Labcorp Genetics (formerly Invitae), Labcorp); PubMed 22815624 (cited by Labcorp Genetics (formerly Invitae), Labcorp); PubMed 11470705 (cited by Laboratory for Molecular Medicine, Mass General Brigham Personalized Medicine); PubMed 20829743 (cited by Laboratory for Molecular Medicine, Mass General Brigham Personalized Medicine); PubMed 21529959 (cited by Laboratory for Molecular Medicine, Mass General Brigham Personalized Medicine).

NM_002905.5(RDH5):c.285G>A (p.Trp95Ter)

Genes: BLOC1S1-RDH5 (BLOC1S1-RDH5 readthrough; plus strand), RDH5 (retinol dehydrogenase 5; plus strand). Cytogenetic location: 12q13.2.
Variant type: single nucleotide variant.
Coding change: c.285G>A on transcript NM_002905.5 (MANE Select); coding-DNA position 285, G replaced by A.
Protein change: p.Trp95Ter; replaces tryptophan 95 with a stop codon.
Molecular consequence: nonsense.
Genome position (GRCh38, 1-based): chr12:55,721,469, G>A. VCF-style: chr12-55721469-G-A. GRCh37 (hg19) VCF-style: chr12-56115253-G-A.
Other names: c.285G>A, p.Trp95Ter (NM_001199771.3); short protein forms W95*.
Identifiers: ClinVar variation 208608 (VCV000208608.16), dbSNP rs774122562, ClinGen allele CA204577.